The following is an entry in ClinVar:

NM_000257.4(MYH7):c.5002A>G (p.Lys1668Glu)

Genes: MHRT (myosin heavy chain associated RNA transcript; plus strand), MYH7 (myosin heavy chain 7; minus strand), LOC126861897 (BRD4-independent group 4 enhancer GRCh37_chr14:23884455-23885654; plus strand). Cytogenetic location: 14q11.2.
Variant type: single nucleotide variant.
Coding change: c.5002A>G on transcript NM_000257.4 (MANE Select); coding-DNA position 5002, A replaced by G.
Protein change: p.Lys1668Glu; replaces lysine 1668 with glutamic acid.
Molecular consequence: missense variant. On other transcripts: non-coding transcript variant (1).
Genome position (GRCh38, 1-based): chr14:23,415,784, T>C on the plus strand (A>G on the coding strand, the complement: MYH7 is on the minus strand). VCF-style: chr14-23415784-T-C. GRCh37 (hg19) VCF-style: chr14-23884993-T-C.
Other names: short protein forms K1668E.
Identifiers: ClinVar variation 1315763 (VCV001315763.4), dbSNP rs1476838032, ClinGen allele CA389037160.

ClinVar aggregate classification (germline): Uncertain significance. Review status: criteria provided, multiple submitters, no conflicts (2 of 4 stars). 3 submissions from 3 submitters: Uncertain significance (3). Last evaluated 2025-07-03.

Conditions:
Hypertrophic cardiomyopathy. Also called: HYPERTROPHIC MYOCARDIOPATHY. Identifiers: Orphanet 217569, MedGen C0007194, MeSH D002312, MONDO:0005045, HP:0001639.
Cardiovascular phenotype. Identifiers: MedGen CN230736.

Submissions (3):

Ambry Genetics
Classification: Uncertain significance for Cardiovascular phenotype. Last evaluated: 2025-07-03. Review status: criteria provided, single submitter. Criteria: Ambry Variant Classification Scheme 2023. Collection method: clinical testing. Allele origin: germline.
Comment: The p.K1668E variant (also known as c.5002A>G), located in coding exon 33 of the MYH7 gene, results from an A to G substitution at nucleotide position 5002. The lysine at codon 1668 is replaced by glutamic acid, an amino acid with similar properties. This variant was reported in individual(s) with features consistent with hypertrophic cardiomyopathy (HCM) (Walsh R et al. Genet Med, 2017 Feb;19:192-203). This amino acid position is highly conserved in available vertebrate species. In addition, the in silico prediction for this alteration is inconclusive. Based on the available evidence, the clinical significance of this variant remains unclear.

Labcorp Genetics (formerly Invitae), Labcorp
Classification: Uncertain significance for Hypertrophic cardiomyopathy. Last evaluated: 2024-06-05. Review status: criteria provided, single submitter. Criteria: Invitae Variant Classification Sherloc (09022015). Collection method: clinical testing. Allele origin: germline.
Comment: This sequence change replaces lysine, which is basic and polar, with glutamic acid, which is acidic and polar, at codon 1668 of the MYH7 protein (p.Lys1668Glu). This variant is not present in population databases (gnomAD no frequency). This missense change has been observed in individual(s) with cardiomyopathy (PMID: 27532257, 37652022). ClinVar contains an entry for this variant (Variation ID: 1315763). Advanced modeling of protein sequence and biophysical properties (such as structural, functional, and spatial information, amino acid conservation, physicochemical variation, residue mobility, and thermodynamic stability) performed at Invitae indicates that this missense variant is expected to disrupt MYH7 protein function with a positive predictive value of 95%. In summary, the available evidence is currently insufficient to determine the role of this variant in disease. Therefore, it has been classified as a Variant of Uncertain Significance.

GeneDx
Classification: Uncertain significance. Last evaluated: 2019-06-19. Review status: criteria provided, single submitter. Criteria: GeneDx Variant Classification Process June 2021. Collection method: clinical testing. Allele origin: germline. Affected: yes.
Comment: Reported in association with HCM, although no clinical details were provided (Walsh et al., 2017); Not observed in large population cohorts (Lek et al., 2016); In silico analysis, which includes protein predictors and evolutionary conservation, supports that this variant does not alter protein structure/function; This variant is associated with the following publications: (PMID: 27532257)

Literature cited by the submitters: PubMed 27532257 (cited by Ambry Genetics and Labcorp Genetics (formerly Invitae), Labcorp); PubMed 37652022 (cited by Labcorp Genetics (formerly Invitae), Labcorp).